The following is an entry in ClinVar:

NM_001035.3(RYR2):c.385-11G>A

Gene: RYR2 (ryanodine receptor 2; plus strand). Cytogenetic location: 1q43.
Variant type: single nucleotide variant.
Coding change: c.385-11G>A on transcript NM_001035.3 (MANE Select); 11 bases into the intron before coding-DNA position 385, G replaced by A.
Molecular consequence: intron variant.
Genome position (GRCh38, 1-based): chr1:237,374,706, G>A. VCF-style: chr1-237374706-G-A. GRCh37 (hg19) VCF-style: chr1-237538006-G-A.
Identifiers: ClinVar variation 3385650 (VCV003385650.1).
Genomic context (GRCh38, chr1:237,374,706, plus strand): 5'-AACCTTGTCTCAAACACAAACAACAGACGAACAAAACCTCTACTTACAACTACTGATTTT[G>A]TACTTTGTAGTATCTGTGCTGCCTGTCCACCTCCCGGTCTTCAACTGATAAGCTGGCTTT-3'

ClinVar aggregate classification (germline): Likely benign (1 of 4 stars; one submission).

Conditions:
Catecholaminergic polymorphic ventricular tachycardia (CVPT). Also called: Catecholamine-induced polymorphic ventricular tachycardia. Identifiers: Orphanet 3286, MedGen C5574922, MONDO:0017990.

Submission:

All of Us Research Program, National Institutes of Health
Classification: Likely benign for Catecholaminergic polymorphic ventricular tachycardia. Last evaluated: 2024-07-10. Review status: criteria provided, single submitter. Criteria: ACMG Guidelines, 2015. Collection method: clinical testing. Allele origin: germline. Inheritance: Autosomal dominant inheritance. Observed: 1 variant allele, 1 heterozygote.
Comment: This study involves interpretation of variants in research participants for the purpose of population health screening. Participant phenotype was not available at the time of variant classification. Additional details can be found in publication PMID: 35346344, PMCID: PMC8962531